The following is an entry in ClinVar:

NM_022124.6(CDH23):c.8065-9C>T

Gene: CDH23 (cadherin related 23; plus strand). Cytogenetic location: 10q22.1.
Variant type: single nucleotide variant.
Coding change: c.8065-9C>T on transcript NM_022124.6 (MANE Select); 9 bases into the intron before coding-DNA position 8065, C replaced by T.
Molecular consequence: intron variant.
Genome position (GRCh38, 1-based): chr10:71,806,159, C>T. VCF-style: chr10-71806159-C-T. GRCh37 (hg19) VCF-style: chr10-73565916-C-T.
Other names: c.1345-9C>T (NM_001171933.1, NM_001171934.1).
Identifiers: ClinVar variation 46044 (VCV000046044.13), dbSNP rs397517355, ClinGen allele CA137589.
Genomic context (GRCh38, chr10:71,806,159, plus strand): 5'-CCACCGGGAAGTCCCCAAGCCAATCCCCTCTCCCAGTCTTTTCCTCTGACTGTGCTCTTC[C>T]GCTCCTAGCTCATCTTGGTGGCCAGCGACCTGGGCCAGCCAGTGCCATACGAGACTATGC-3'

ClinVar aggregate classification (germline): Conflicting classifications of pathogenicity. Review status: criteria provided, conflicting classifications (1 of 4 stars). 3 submissions from 3 submitters: Uncertain significance (1); Likely benign (2). Last evaluated 2025-12-24.

Allele frequency attached by ClinVar (database versions not stated): ExAC below 0.00001; gnomAD 0.00001; gnomAD exomes 0.00002 and 0.00004; TOPMed 0.00002.
gnomAD v4.1: 28 of 1,555,268 alleles (0.0018%); highest among the groups gnomAD compares: Middle Eastern, 0.033%; no homozygotes.

Submissions (3):

Labcorp Genetics (formerly Invitae), Labcorp
Classification: Likely benign. Last evaluated: 2025-12-24. Review status: criteria provided, single submitter. Criteria: Invitae Variant Classification Sherloc (09022015). Collection method: clinical testing. Allele origin: germline.

Blueprint Genetics
Classification: Likely benign. Last evaluated: 2020-12-20. Review status: criteria provided, single submitter. Criteria: ACMG Guidelines, 2015. Collection method: clinical testing. Allele origin: germline.

Laboratory for Molecular Medicine, Mass General Brigham Personalized Medicine
Classification: Uncertain significance. Last evaluated: 2012-04-17. Review status: criteria provided, single submitter. Criteria: LMM Criteria. Collection method: clinical testing. Allele origin: germline. Observed: 1 variant allele.
Comment: Variant classified as Uncertain Significance - Favor Benign. The 8065-9C>T varia nt in CDH23 has not been reported in the literature nor previously identified by our laboratory. This variant is located in the 3' splice region; however, compu tational tools do not predict divergence from the splice consensus sequence. In summary, the clinical significance of this variant cannot be determined with cer tainty; however, we would lean towards a more likely benign role based on a lack of predicted splicing impact.